The following is an entry in ClinVar:

ClinVar aggregate classification (germline): Conflicting classifications of pathogenicity. Review status: criteria provided, conflicting classifications (1 of 4 stars). 3 submissions from 3 submitters: Uncertain significance (2); Likely benign (1). Last evaluated 2025-01-06.

Conditions:
Inborn genetic diseases. Identifiers: MedGen C0950123, MeSH D030342.
Hereditary sensory neuropathy-deafness-dementia syndrome. Also called: Hereditary Sensory and Autonomic Neuropathy Type 1E (HSAN1E); HSN IE; NEUROPATHY, HEREDITARY SENSORY, WITH HEARING LOSS AND DEMENTIA; Hereditary sensory neuropathy type IE. Identifiers: Orphanet 456318, MedGen C3279885, MONDO:0013584, OMIM 614116.

Allele frequency attached by ClinVar (database versions not stated): gnomAD exomes below 0.00001; gnomAD 0.00001 and 0.00002; TOPMed 0.00002.
gnomAD v4.1: 7 of 1,613,876 alleles (0.00043%); highest among the groups gnomAD compares: Middle Eastern, 0.016%; no homozygotes.

Submissions (3):

Labcorp Genetics (formerly Invitae), Labcorp
Classification: Uncertain significance for Hereditary sensory neuropathy-deafness-dementia syndrome. Last evaluated: 2025-01-06. Review status: criteria provided, single submitter. Criteria: Invitae Variant Classification Sherloc (09022015). Collection method: clinical testing. Allele origin: germline.
Comment: This sequence change replaces lysine, which is basic and polar, with glutamine, which is neutral and polar, at codon 176 of the DNMT1 protein (p.Lys176Gln). This variant is present in population databases (no rsID available, gnomAD 0.007%). This variant has not been reported in the literature in individuals affected with DNMT1-related conditions. ClinVar contains an entry for this variant (Variation ID: 573940). An algorithm developed to predict the effect of missense changes on protein structure and function outputs the following: PolyPhen-2: "Benign". The glutamine amino acid residue is found in multiple mammalian species, which suggests that this missense change does not adversely affect protein function. In summary, the available evidence is currently insufficient to determine the role of this variant in disease. Therefore, it has been classified as a Variant of Uncertain Significance.

Ambry Genetics
Classification: Likely benign for Inborn genetic diseases. Last evaluated: 2022-09-21. Review status: criteria provided, single submitter. Criteria: Ambry Variant Classification Scheme 2023. Collection method: clinical testing. Allele origin: germline.

Illumina Laboratory Services, Illumina
Classification: Uncertain significance for Hereditary sensory neuropathy-deafness-dementia syndrome. Last evaluated: 2018-01-13. Review status: criteria provided, single submitter. Criteria: ICSL Variant Classification Criteria 13 December 2019. Collection method: clinical testing. Allele origin: germline.

NM_001130823.3(DNMT1):c.526A>C (p.Lys176Gln)

Gene: DNMT1 (DNA methyltransferase 1; minus strand). Cytogenetic location: 19p13.2.
Variant type: single nucleotide variant.
Coding change: c.526A>C on transcript NM_001130823.3 (MANE Select); coding-DNA position 526, A replaced by C.
Protein change: p.Lys176Gln; replaces lysine 176 with glutamine.
Molecular consequence: missense variant.
Genome position (GRCh38, 1-based): chr19:10,177,335, T>G on the plus strand (A>C on the coding strand, the complement: DNMT1 is on the minus strand). VCF-style: chr19-10177335-T-G. GRCh37 (hg19) VCF-style: chr19-10288011-T-G.
Other names: c.526A>C (LRG_362t1); c.478A>C, p.Lys160Gln (NM_001318730.2, NM_001379.4); c.163A>C, p.Lys55Gln (NM_001318731.2); short protein forms K176Q, K55Q, K160Q.
Identifiers: ClinVar variation 573940 (VCV000573940.17), dbSNP rs1020363356, ClinGen allele CA305181267.